The following is an entry in ClinVar:

NM_006361.6(HOXB13):c.110C>G (p.Pro37Arg)

Gene: HOXB13 (homeobox B13; minus strand). Cytogenetic location: 17q21.32.
Variant type: single nucleotide variant.
Coding change: c.110C>G on transcript NM_006361.6 (MANE Select); coding-DNA position 110, C replaced by G.
Protein change: p.Pro37Arg; replaces proline 37 with arginine.
Molecular consequence: missense variant.
Genome position (GRCh38, 1-based): chr17:48,728,484, G>C on the plus strand (C>G on the coding strand, the complement: HOXB13 is on the minus strand). VCF-style: chr17-48728484-G-C. GRCh37 (hg19) VCF-style: chr17-46805846-G-C.
Other names: short protein forms P37R.
Identifiers: ClinVar variation 2982079 (VCV002982079.4), dbSNP rs2509516016, ClinGen allele CA400109287.

ClinVar aggregate classification (germline): Uncertain significance. Review status: criteria provided, multiple submitters, no conflicts (2 of 4 stars). 2 submissions from 2 submitters: Uncertain significance (2). Last evaluated 2025-03-20.

Conditions:
Hereditary cancer-predisposing syndrome. Also called: Tumor predisposition; Hereditary neoplastic syndrome; Hereditary Cancer Syndrome; Neoplastic Syndromes, Hereditary. Identifiers: Orphanet 140162, MedGen C0027672, MeSH D009386, MONDO:0015356.

Submissions (2):

Labcorp Genetics (formerly Invitae), Labcorp
Classification: Uncertain significance. Last evaluated: 2025-03-20. Review status: criteria provided, single submitter. Criteria: Invitae Variant Classification Sherloc (09022015). Collection method: clinical testing. Allele origin: germline.
Comment: This sequence change replaces proline, which is neutral and non-polar, with arginine, which is basic and polar, at codon 37 of the HOXB13 protein (p.Pro37Arg). This variant is not present in population databases (gnomAD no frequency). This variant has not been reported in the literature in individuals affected with HOXB13-related conditions. ClinVar contains an entry for this variant (Variation ID: 2982079). An algorithm developed to predict the effect of missense changes on protein structure and function (PolyPhen-2) suggests that this variant is likely to be disruptive. In summary, the available evidence is currently insufficient to determine the role of this variant in disease. Therefore, it has been classified as a Variant of Uncertain Significance.

Ambry Genetics
Classification: Uncertain significance for Hereditary cancer-predisposing syndrome. Last evaluated: 2024-06-09. Review status: criteria provided, single submitter. Criteria: Ambry Variant Classification Scheme 2023. Collection method: clinical testing. Allele origin: germline.
Comment: The p.P37R variant (also known as c.110C>G), located in coding exon 1 of the HOXB13 gene, results from a C to G substitution at nucleotide position 110. The proline at codon 37 is replaced by arginine, an amino acid with dissimilar properties. This amino acid position is conserved. In addition, the in silico prediction for this alteration is inconclusive. Based on the available evidence, the clinical significance of this variant remains unclear.